The following is an entry in ClinVar:

NM_024721.5(ZFHX4):c.10321C>G (p.Arg3441Gly)

Gene: ZFHX4 (zinc finger homeobox 4; plus strand). Cytogenetic location: 8q21.13.
Variant type: single nucleotide variant.
Coding change: c.10321C>G on transcript NM_024721.5 (MANE Select); coding-DNA position 10321, C replaced by G.
Protein change: p.Arg3441Gly; replaces arginine 3441 with glycine.
Molecular consequence: missense variant.
Genome position (GRCh38, 1-based): chr8:76,864,035, C>G. VCF-style: chr8-76864035-C-G. GRCh37 (hg19) VCF-style: chr8-77776271-C-G.
Other names: c.10243C>G, p.Arg3415Gly (NM_001410934.1); short protein forms R3415G, R3441G.
Identifiers: ClinVar variation 3900308 (VCV003900308.1).

ClinVar aggregate classification (germline): Uncertain significance (1 of 4 stars; one submission).

gnomAD v4.1: 9 of 1,613,842 alleles (0.00056%); highest among the groups gnomAD compares: Admixed American, 0.0017%; no homozygotes.

Submission:

GeneDx
Classification: Uncertain significance. Last evaluated: 2023-11-17. Review status: criteria provided, single submitter. Criteria: GeneDx Variant Classification Process June 2021. Collection method: clinical testing. Allele origin: germline. Affected: yes.
Comment: In silico analysis supports that this missense variant has a deleterious effect on protein structure/function; Has not been previously published as pathogenic or benign to our knowledge; Variants in candidate genes are classified as variants of uncertain significance in accordance with ACMG guidelines (PMID: 25741868)